The following is an entry in ClinVar:

NM_003335.3(UBA7):c.1314G>A (p.Val438=)

Gene: UBA7 (ubiquitin like modifier activating enzyme 7; minus strand). Cytogenetic location: 3p21.31.
Variant type: single nucleotide variant.
Coding change: c.1314G>A on transcript NM_003335.3 (MANE Select); coding-DNA position 1314, G replaced by A.
Protein change: p.Val438=; no amino-acid change (valine 438 retained).
Molecular consequence: synonymous variant.
Genome position (GRCh38, 1-based): chr3:49,810,670, C>T on the plus strand (G>A on the coding strand, the complement: UBA7 is on the minus strand). VCF-style: chr3-49810670-C-T. GRCh37 (hg19) VCF-style: chr3-49848103-C-T.
Identifiers: ClinVar variation 3055621 (VCV003055621.2), dbSNP rs141890605, ClinGen allele CA2407077.
Genomic context (GRCh38, chr3:49,810,670, plus strand): 5'-GGCCCCCAGTCCCACTAGGGCAAAGACTTTGAGCAGCTCACAACCAATGGCACCAGCGCC[C>T]ACCTGTTGGCAGGAACAGCCTTAGCCAGAGGGGCTGGGCTGGCTCTCCCAAAGGCACCCC-3'
Protein context (NP_003326.2, residues 428-448): EKLRRQHYLL[Val438=]GAGAIGCELL

ClinVar aggregate classification (germline): Likely benign (0 of 4 stars; one submission).

Conditions:
UBA7-related disorder. Also called: UBA7-related condition.

Allele frequency attached by ClinVar (database versions not stated): gnomAD exomes 0.00014; ExAC 0.00038; gnomAD 0.00098; 1000 Genomes Project 0.00100; 1000 Genomes Project 30x 0.00109; TOPMed 0.00125; ESP Exome Variant Server 0.00200.
gnomAD v4.1: 358 of 1,614,084 alleles (0.022%); highest among the groups gnomAD compares: African/African-American, 0.43%; 2 homozygotes.

Submission:

PreventionGenetics, part of Exact Sciences
Classification: Likely benign for UBA7-related condition. Last evaluated: 2019-05-01. Review status: no assertion criteria provided. Collection method: clinical testing. Allele origin: germline.
Comment: This variant is classified as likely benign based on ACMG/AMP sequence variant interpretation guidelines (Richards et al. 2015 PMID: 25741868, with internal and published modifications).